The following is an entry in ClinVar:

ClinVar aggregate classification (germline): Uncertain significance (1 of 4 stars; one submission).

Conditions:
Joubert syndrome. Also called: CEREBELLOPARENCHYMAL DISORDER IV; JOUBERT-BOLTSHAUSER SYNDROME; Familial aplasia of the vermis. Identifiers: Orphanet 475, MedGen C5979921, MONDO:0018772.
Orofaciodigital syndrome I (OFD1). Also called: OFDS I; Papillon-Leage and Psaume Syndrome; Oral-Facial-Digital Syndrome Type I. Identifiers: Orphanet 2750, MedGen C1510460, MONDO:0010702, OMIM 311200.

Submission:

Labcorp Genetics (formerly Invitae), Labcorp
Classification: Uncertain significance for Orofaciodigital syndrome I; Joubert syndrome. Last evaluated: 2023-11-13. Review status: criteria provided, single submitter. Criteria: Invitae Variant Classification Sherloc (09022015). Collection method: clinical testing. Allele origin: germline.
Comment: This sequence change replaces glutamic acid, which is acidic and polar, with aspartic acid, which is acidic and polar, at codon 281 of the OFD1 protein (p.Glu281Asp). This variant is not present in population databases (gnomAD no frequency). This variant has not been reported in the literature in individuals affected with OFD1-related conditions. Advanced modeling of protein sequence and biophysical properties (such as structural, functional, and spatial information, amino acid conservation, physicochemical variation, residue mobility, and thermodynamic stability) performed at Invitae indicates that this missense variant is not expected to disrupt OFD1 protein function with a negative predictive value of 80%. In summary, the available evidence is currently insufficient to determine the role of this variant in disease. Therefore, it has been classified as a Variant of Uncertain Significance.

NM_003611.3(OFD1):c.843A>C (p.Glu281Asp)

Gene: OFD1 (OFD1 centriole and centriolar satellite protein; plus strand). Cytogenetic location: Xp22.2.
Variant type: single nucleotide variant.
Coding change: c.843A>C on transcript NM_003611.3 (MANE Select); coding-DNA position 843, A replaced by C.
Protein change: p.Glu281Asp; replaces glutamic acid 281 with aspartic acid.
Molecular consequence: missense variant.
Genome position (GRCh38, 1-based): chrX:13,749,441, A>C. VCF-style: chrX-13749441-A-C. GRCh37 (hg19) VCF-style: chrX-13767560-A-C.
Other names: c.843A>C, p.Glu281Asp (NM_001330209.2); c.423A>C, p.Glu141Asp (NM_001330210.2); short protein forms E141D, E281D.
Identifiers: ClinVar variation 2953533 (VCV002953533.3), dbSNP rs776376486, ClinGen allele CA412338713.